The following is an entry in ClinVar:

ClinVar aggregate classification (germline): Conflicting classifications of pathogenicity. Review status: criteria provided, conflicting classifications (1 of 4 stars). 4 submissions from 4 submitters: Pathogenic (1); Uncertain significance (2). 1 of the submissions does not count toward it. Last evaluated 2025-07-03.

Conditions:
Isolated microphthalmia 5. Also called: Posterior Microphthalmia with Retinitis Pigmentosa, Foveoschisis, and Optic Disc Drusen. Identifiers: Orphanet 251279, MedGen C1970236, MONDO:0012605, OMIM 611040.

Submissions (4):

Labcorp Genetics (formerly Invitae), Labcorp
Classification: Pathogenic for Isolated microphthalmia 5. Last evaluated: 2025-07-03. Review status: criteria provided, single submitter. Criteria: Invitae Variant Classification Sherloc (09022015). Collection method: clinical testing. Allele origin: germline.
Comment: This sequence change creates a premature translational stop signal (p.Val541Alafs*188) in the MFRP gene. It is expected to result in an absent or disrupted protein product. Loss-of-function variants in MFRP are known to be pathogenic (PMID: 12140190, 15976030, 20361016). This variant is present in population databases (rs730882142, gnomAD 0.003%). This premature translational stop signal has been observed in individual(s) with MFRP-related conditions (PMID: 20361016). ClinVar contains an entry for this variant (Variation ID: 183044). For these reasons, this variant has been classified as Pathogenic.

Blueprint Genetics
Classification: Uncertain significance. Last evaluated: 2024-05-14. Review status: criteria provided, single submitter. Criteria: ACMG Guidelines, 2015. Collection method: clinical testing. Allele origin: germline.

GeneDx
Classification: Uncertain significance. Last evaluated: 2022-11-29. Review status: criteria provided, single submitter. Criteria: GeneDx Variant Classification Process June 2021. Collection method: clinical testing. Allele origin: germline. Affected: yes.
Comment: Observed with a second MFRP variant in a patient with rod-cone dystrophy in published literature, but it is not known whether the variants occurred on the same (in cis) or on different (in trans) chromosomes (Mukhopadhyay et al., 2010); Frameshift variant predicted to result in an altered protein as the last 39 amino acids are replaced with 187 different amino acids; Not observed at significant frequency in large population cohorts (gnomAD); This variant is associated with the following publications: (PMID: 31589614, 20361016)

OMIM
Classification: Pathogenic for MICROPHTHALMIA, ISOLATED 5. Last evaluated: 2010-03-26. Review status: no assertion criteria provided. Collection method: literature only. Allele origin: germline. Not counted in ClinVar's aggregate classification.

Literature cited by the submitters: PubMed 12140190 (cited by Labcorp Genetics (formerly Invitae), Labcorp); PubMed 15976030 (cited by Labcorp Genetics (formerly Invitae), Labcorp); PubMed 20361016 (cited by Labcorp Genetics (formerly Invitae), Labcorp and OMIM).

NM_031433.4(MFRP):c.1622_1625del (p.Val541fs)

Genes: C1QTNF5 (C1q and TNF related 5; minus strand), MFRP (membrane frizzled-related protein; minus strand). Cytogenetic location: 11q23.3.
Variant type: Microsatellite.
Coding change: c.1622_1625del on transcript NM_031433.4 (MANE Select); coding-DNA positions 1622 to 1625, 4 bases deleted (TCTG; older notation c.1622_1625delTCTG).
Protein change: p.Val541fs; shifts the reading frame from valine 541.
Molecular consequence: frameshift variant. On other transcripts: 5 prime UTR variant (1).
Genome position (GRCh38, 1-based): chr11:119,341,663-119,341,666, CAGA deleted on the plus strand (TCTG on the coding strand, the reverse complement: MFRP is on the minus strand); deleting any 4 consecutive bases within chr11:119,341,663-119,341,670 gives the same sequence; the c. name uses the placement nearest the transcript's 3' end. VCF-style (leftmost placement, unchanged base first): chr11-119341662-GCAGA-G. GRCh37 (hg19) VCF-style: chr11-119212372-GCAGA-G.
Other names: c.-1019TCTG[1] (NM_015645.5); short protein forms V541fs.
Identifiers: ClinVar variation 183044 (VCV000183044.5), dbSNP rs730882142, ClinGen allele CA017116.